The following is an entry in ClinVar:

ClinVar aggregate classification (germline): Uncertain significance. Review status: criteria provided, multiple submitters, no conflicts (2 of 4 stars). 3 submissions from 3 submitters: Uncertain significance (3). Last evaluated 2025-10-13.

Conditions:
Distal hereditary motor neuropathy type 2. Identifiers: Orphanet 139525, MedGen C3711384, MeSH C580044, MONDO:0015352.

Allele frequency attached by ClinVar (database versions not stated): ExAC 0.00001; gnomAD exomes 0.00001; TOPMed 0.00004.
gnomAD v4.1: 45 of 1,614,036 alleles (0.0028%); highest among the groups gnomAD compares: Non-Finnish European, 0.0034%; no homozygotes.

Submissions (3):

Labcorp Genetics (formerly Invitae), Labcorp
Classification: Uncertain significance for Distal hereditary motor neuropathy type 2. Last evaluated: 2025-10-13. Review status: criteria provided, single submitter. Criteria: Invitae Variant Classification Sherloc (09022015). Collection method: clinical testing. Allele origin: germline.
Comment: This sequence change replaces glycine, which is neutral and non-polar, with serine, which is neutral and polar, at codon 735 of the FBXO38 protein (p.Gly735Ser). This variant is present in population databases (rs779561720, gnomAD 0.003%). This variant has not been reported in the literature in individuals affected with FBXO38-related conditions. ClinVar contains an entry for this variant (Variation ID: 938326). An algorithm developed to predict the effect of missense changes on protein structure and function outputs the following: PolyPhen-2: "Benign". The serine amino acid residue is found in multiple mammalian species, which suggests that this missense change does not adversely affect protein function. In summary, the available evidence is currently insufficient to determine the role of this variant in disease. Therefore, it has been classified as a Variant of Uncertain Significance.

GeneDx
Classification: Uncertain significance. Last evaluated: 2023-01-04. Review status: criteria provided, single submitter. Criteria: GeneDx Variant Classification Process June 2021. Collection method: clinical testing. Allele origin: germline. Affected: yes.
Comment: Not observed at significant frequency in large population cohorts (gnomAD); In silico analysis supports that this missense variant does not alter protein structure/function; Has not been previously published as pathogenic or benign to our knowledge; Variants in candidate genes are classified as variants of uncertain significance in accordance with ACMG guidelines (Richards et al., 2015)

Ambry Genetics
Classification: Uncertain significance. Last evaluated: 2022-05-02. Review status: criteria provided, single submitter. Criteria: Ambry Variant Classification Scheme 2023. Collection method: clinical testing. Allele origin: germline.
Comment: The p.G735S variant (also known as c.2203G>A), located in coding exon 14 of the FBXO38 gene, results from a G to A substitution at nucleotide position 2203. The glycine at codon 735 is replaced by serine, an amino acid with similar properties. This amino acid position is not well conserved in available vertebrate species, and serine is the reference amino acid in other vertebrate species. In addition, this alteration is predicted to be tolerated by in silico analysis. Since supporting evidence is limited at this time, the clinical significance of this alteration remains unclear.

NM_205836.3(FBXO38):c.2203G>A (p.Gly735Ser)

Gene: FBXO38 (F-box protein 38; plus strand). Cytogenetic location: 5q32.
Variant type: single nucleotide variant.
Coding change: c.2203G>A on transcript NM_205836.3 (MANE Select); coding-DNA position 2203, G replaced by A.
Protein change: p.Gly735Ser; replaces glycine 735 with serine.
Molecular consequence: missense variant. On other transcripts: intron variant (1).
Genome position (GRCh38, 1-based): chr5:148,427,497, G>A. VCF-style: chr5-148427497-G-A. GRCh37 (hg19) VCF-style: chr5-147807060-G-A.
Other names: c.2203G>A, p.Gly735Ser (NM_030793.5); c.1918+1796G>A (NM_001271723.2); short protein forms G735S.
Identifiers: ClinVar variation 938326 (VCV000938326.12), dbSNP rs779561720, ClinGen allele CA3497470.
Genomic context (GRCh38, chr5:148,427,497, plus strand): 5'-TCCAGCTCACACAACACTGCTTCTCAAAGCCCCGACTTTGTAAGGACGGTGAACAGCGGC[G>A]GCTCTTCCGAGCCTAGCCCTACAGAAGTGGATGTGTCCAGGCAGTGTGCCTGCTCCCCCG-3'
Protein context (NP_995308.1, residues 725-745): PDFVRTVNSG[Gly735Ser]SSEPSPTEVD